The following is an entry in ClinVar:

NM_173628.4(DNAH17):c.11334+4C>T

Gene: DNAH17 (dynein axonemal heavy chain 17; minus strand). Cytogenetic location: 17q25.3.
Variant type: single nucleotide variant.
Coding change: c.11334+4C>T on transcript NM_173628.4 (MANE Select); 4 bases into the intron after coding-DNA position 11334, C replaced by T.
Molecular consequence: intron variant.
Genome position (GRCh38, 1-based): chr17:78,445,554, G>A on the plus strand (C>T on the coding strand, the complement: DNAH17 is on the minus strand). VCF-style: chr17-78445554-G-A. GRCh37 (hg19) VCF-style: chr17-76441636-G-A.
Identifiers: ClinVar variation 3050145 (VCV003050145.2), dbSNP rs369932918, ClinGen allele CA8800502.
Genomic context (GRCh38, chr17:78,445,554, plus strand): 5'-CATCAGCTGGAGGGGGCTCCACGGCGGGGAGAAAGCACAACGTGTTCAACGTCTAAAGAC[G>A]AACCTTGATCCCGCCCCAGCCTTGATGCTGGAGGAAGTCCACTGGTGAGACCACTCCGGC-3'

ClinVar aggregate classification (germline): Likely benign (0 of 4 stars; one submission).

Conditions:
DNAH17-related disorder. Also called: DNAH17-related condition.

Allele frequency attached by ClinVar (database versions not stated): ESP Exome Variant Server 0.00008.
gnomAD v4.1: 33 of 1,561,154 alleles (0.0021%); highest among the groups gnomAD compares: Non-Finnish European, 0.0026%; no homozygotes.

Submission:

PreventionGenetics, part of Exact Sciences
Classification: Likely benign for DNAH17-related condition. Last evaluated: 2019-07-12. Review status: no assertion criteria provided. Collection method: clinical testing. Allele origin: germline.
Comment: This variant is classified as likely benign based on ACMG/AMP sequence variant interpretation guidelines (Richards et al. 2015 PMID: 25741868, with internal and published modifications).